The following is an entry in ClinVar:

ClinVar aggregate classification (germline): Conflicting classifications of pathogenicity. Review status: criteria provided, conflicting classifications (1 of 4 stars). 2 submissions from 2 submitters: Uncertain significance (1); Likely benign (1). Last evaluated 2026-06-22.

Conditions:
Hereditary diffuse gastric adenocarcinoma (HDGC). Also called: DIFFUSE GASTRIC AND LOBULAR BREAST CANCER SYNDROME. Identifiers: Orphanet 26106, MedGen C1708349, MONDO:0007648, OMIM 137215.
Hereditary cancer-predisposing syndrome. Also called: Hereditary neoplastic syndrome; Neoplastic Syndromes, Hereditary; Tumor predisposition; Hereditary Cancer Syndrome. Identifiers: Orphanet 140162, MedGen C0027672, MeSH D009386, MONDO:0015356.

Submissions (2):

Ambry Genetics
Classification: Likely benign for Hereditary cancer-predisposing syndrome. Last evaluated: 2026-06-22. Review status: criteria provided, single submitter. Criteria: Ambry Variant Classification Scheme 2023. Collection method: clinical testing. Allele origin: germline.

Labcorp Genetics (formerly Invitae), Labcorp
Classification: Uncertain significance for Hereditary diffuse gastric adenocarcinoma. Last evaluated: 2022-04-27. Review status: criteria provided, single submitter. Criteria: Invitae Variant Classification Sherloc (09022015). Collection method: clinical testing. Allele origin: germline.
Comment: This variant is not present in population databases (gnomAD no frequency). This sequence change replaces histidine, which is basic and polar, with leucine, which is neutral and non-polar, at codon 632 of the CDH1 protein (p.His632Leu). This variant has not been reported in the literature in individuals affected with CDH1-related conditions. Algorithms developed to predict the effect of missense changes on protein structure and function (SIFT, PolyPhen-2, Align-GVGD) all suggest that this variant is likely to be tolerated. In summary, the available evidence is currently insufficient to determine the role of this variant in disease. Therefore, it has been classified as a Variant of Uncertain Significance.

NM_004360.5(CDH1):c.1895A>T (p.His632Leu)

Gene: CDH1 (cadherin 1; plus strand). Cytogenetic location: 16q22.1.
Variant type: single nucleotide variant.
Coding change: c.1895A>T on transcript NM_004360.5 (MANE Select); coding-DNA position 1895, A replaced by T.
Protein change: p.His632Leu; replaces histidine 632 with leucine.
Molecular consequence: missense variant. On other transcripts: 5 prime UTR variant (1).
Genome position (GRCh38, 1-based): chr16:68,822,184, A>T. VCF-style: chr16-68822184-A-T. GRCh37 (hg19) VCF-style: chr16-68856087-A-T.
Other names: c.1712A>T, p.His571Leu (NM_001317184.2); c.347A>T, p.His116Leu (NM_001317185.2); c.-71A>T (NM_001317186.2); short protein forms H632L, H116L, H571L.
Identifiers: ClinVar variation 2037511 (VCV002037511.6), dbSNP rs1555516892, ClinGen allele CA396467166.